The following is an entry in ClinVar:

NM_022489.4(INF2):c.391+18A>T

Gene: INF2 (inverted formin 2; plus strand). Cytogenetic location: 14q32.33.
Variant type: single nucleotide variant.
Coding change: c.391+18A>T on transcript NM_022489.4 (MANE Select); 18 bases into the intron after coding-DNA position 391, A replaced by T.
Molecular consequence: intron variant.
Genome position (GRCh38, 1-based): chr14:104,701,774, A>T. VCF-style: chr14-104701774-A-T. GRCh37 (hg19) VCF-style: chr14-105168111-A-T.
Other names: c.391+18A>T (NM_001031714.4, NM_032714.3).
Identifiers: ClinVar variation 261623 (VCV000261623.60), dbSNP rs115458897, ClinGen allele CA7372280.

ClinVar aggregate classification (germline): Benign. Review status: criteria provided, multiple submitters, no conflicts (2 of 4 stars). 5 submissions from 5 submitters: Benign (5). Last evaluated 2026-02-01.

Conditions:
Focal segmental glomerulosclerosis 5 (FSGS5). Identifiers: Orphanet 656, MedGen C2750475, MONDO:0013191, OMIM 613237.
Charcot-Marie-Tooth disease dominant intermediate E. Also called: CHARCOT-MARIE-TOOTH NEUROPATHY WITH FOCAL SEGMENTAL GLOMERULONEPHRITIS. Identifiers: Orphanet 93114, MedGen C4302667, MONDO:0013758, OMIM 614455.

Allele frequency attached by ClinVar (database versions not stated): 1000 Genomes Project 0.01837; TOPMed 0.02167; gnomAD exomes 0.00181 and 0.00668; gnomAD 0.01933 and 0.02077; ESP Exome Variant Server 0.01693; ExAC 0.01426; 1000 Genomes Project 30x 0.01968.

Submissions (8):

Labcorp Genetics (formerly Invitae), Labcorp
Classification: Benign for Charcot-Marie-Tooth disease dominant intermediate E; Focal segmental glomerulosclerosis 5. Last evaluated: 2026-02-01. Review status: criteria provided, single submitter. Criteria: Invitae Variant Classification Sherloc (09022015). Collection method: clinical testing. Allele origin: germline.

ARUP Laboratories, Molecular Genetics and Genomics, ARUP Laboratories
Classification: Benign. Last evaluated: 2023-10-11. Review status: criteria provided, single submitter. Criteria: ARUP Molecular Germline Variant Investigation Process 2024. Collection method: clinical testing. Allele origin: germline.

GeneDx
Classification: Benign. Last evaluated: 2016-01-13. Review status: criteria provided, single submitter. Criteria: GeneDx Variant Classification (06012015). Collection method: clinical testing. Allele origin: germline. Affected: yes.
Comment: This variant is considered likely benign or benign based on one or more of the following criteria: it is a conservative change, it occurs at a poorly conserved position in the protein, it is predicted to be benign by multiple in silico algorithms, and/or has population frequency not consistent with disease.

Breakthrough Genomics
Classification: Benign. Review status: criteria provided, single submitter. Criteria: ACMG Guidelines, 2015. Collection method: not provided. Allele origin: germline. Inheritance: Autosomal dominant inheritance. Affected: yes.

PreventionGenetics, part of Exact Sciences
Classification: Benign. Review status: criteria provided, single submitter. Criteria: ACMG Guidelines, 2015. Collection method: clinical testing. Allele origin: germline.

Dr. Peter K. Rogan Lab, Western University
No classification provided (evidence only). Condition: Lung cancer. Review status: no classification provided. Collection method: in vitro. Allele origin: not applicable. Functional consequence: retained intron. Not counted in ClinVar's aggregate classification.

Dr. Peter K. Rogan Lab, Western University
No classification provided (evidence only). Condition: Ovarian serous cystadenocarcinoma. Review status: no classification provided. Collection method: in vitro. Allele origin: not applicable. Functional consequence: retained intron. Not counted in ClinVar's aggregate classification.

Dr. Peter K. Rogan Lab, Western University
No classification provided (evidence only). Condition: Uterine carcinosarcoma. Review status: no classification provided. Collection method: in vitro. Allele origin: not applicable. Functional consequence: retained intron. Not counted in ClinVar's aggregate classification.